The following is an entry in ClinVar:

NM_004380.3(CREBBP):c.6337C>A (p.Pro2113Thr)

Gene: CREBBP (CREB binding protein; minus strand). Cytogenetic location: 16p13.3.
Variant type: single nucleotide variant.
Coding change: c.6337C>A on transcript NM_004380.3 (MANE Select); coding-DNA position 6337, C replaced by A.
Protein change: p.Pro2113Thr; replaces proline 2113 with threonine.
Molecular consequence: missense variant.
Genome position (GRCh38, 1-based): chr16:3,728,710, G>T on the plus strand (C>A on the coding strand, the complement: CREBBP is on the minus strand). VCF-style: chr16-3728710-G-T. GRCh37 (hg19) VCF-style: chr16-3778711-G-T.
Other names: c.6223C>A, p.Pro2075Thr (NM_001079846.1); short protein forms P2113T, P2075T.
Identifiers: ClinVar variation 424014 (VCV000424014.2), dbSNP rs1064796746, ClinGen allele CA16620195.
Genomic context (GRCh38, chr16:3,728,710, plus strand): 5'-TGCCAGGCTGGGGTTGCATGCCGGGCTGGGACTGGAGGCCAGGCTGGGGCTGCATGCCGG[G>T]CTGATTGGCCACGTACTTGGCTGTGCGCTGTTTGATGAAAGCTGCCATTAGCTGCGGGTT-3'
Protein context (NP_004371.2, residues 2103-2123): QRTAKYVANQ[Pro2113Thr]GMQPQPGLQS

ClinVar aggregate classification (germline): Uncertain significance (1 of 4 stars; one submission).

Allele frequency attached by ClinVar (database versions not stated): TOPMed 0.00001 and 0.00002.

Submission:

GeneDx
Classification: Uncertain significance. Last evaluated: 2017-03-03. Review status: criteria provided, single submitter. Criteria: GeneDx Variant Classification (06012015). Collection method: clinical testing. Allele origin: germline. Affected: yes.
Comment: The P2113T variant has not been published as a pathogenic variant, nor has it been reported as a benign variant to our knowledge. This variant is not observed in large population cohorts (Lek et al., 2016; 1000 Genomes Consortium et al., 2015; Exome Variant Server). The P2113T variant is a non-conservative amino acid substitution that occurs at a position that is conserved in mammals. In silico analysis predicts this variant is probably damaging to the protein structure/function. Therefore, based on the currently available information, it is unclear whether this variant is a pathogenic variant or a rare benign variant.